The following is an entry in ClinVar:

ClinVar aggregate classification (germline): Likely benign (1 of 4 stars; one submission).

Allele frequency attached by ClinVar (database versions not stated): 1000 Genomes Project 30x 0.00016; 1000 Genomes Project 0.00020; ESP Exome Variant Server 0.00123.
gnomAD v4.1: 3,330 of 1,612,434 alleles (0.21%); highest among the groups gnomAD compares: Non-Finnish European, 0.27%; 6 homozygotes.

Submission:

CeGaT Center for Human Genetics Tuebingen
Classification: Likely benign. Last evaluated: 2022-06-01. Review status: criteria provided, single submitter. Criteria: CeGaT Center For Human Genetics Tuebingen Variant Classification Criteria Version 2. Collection method: clinical testing. Allele origin: germline. Affected: yes. Observed: 1 variant allele.
Comment: OTOP3: BP4, BP7

NM_001272005.2(OTOP3):c.549C>T (p.Ile183=)

Gene: OTOP3 (otopetrin 3; plus strand). Cytogenetic location: 17q25.1.
Variant type: single nucleotide variant.
Coding change: c.549C>T on transcript NM_001272005.2 (MANE Select); coding-DNA position 549, C replaced by T.
Protein change: p.Ile183=; no amino-acid change (isoleucine 183 retained).
Molecular consequence: synonymous variant.
Genome position (GRCh38, 1-based): chr17:74,942,013, C>T. VCF-style: chr17-74942013-C-T. GRCh37 (hg19) VCF-style: chr17-72938108-C-T.
Other names: c.603C>T, p.Ile201= (NM_178233.2).
Identifiers: ClinVar variation 2648245 (VCV002648245.24), dbSNP rs62086321, ClinGen allele CA8754900.